The following is an entry in ClinVar:

NM_003072.5(SMARCA4):c.4830G>C (p.Lys1610Asn)

Gene: SMARCA4 (SWI/SNF related BAF chromatin remodeling complex subunit ATPase 4; plus strand). Cytogenetic location: 19p13.2.
Variant type: single nucleotide variant.
Coding change: c.4830G>C on transcript NM_003072.5 (MANE Select); coding-DNA position 4830, G replaced by C.
Protein change: p.Lys1610Asn; replaces lysine 1610 with asparagine.
Molecular consequence: missense variant. On other transcripts: non-coding transcript variant (1).
Genome position (GRCh38, 1-based): chr19:11,060,106, G>C. VCF-style: chr19-11060106-G-C. GRCh37 (hg19) VCF-style: chr19-11170782-G-C.
Other names: c.4830G>C, p.Lys1610Asn (NM_001128844.3); c.4740G>C, p.Lys1580Asn (NM_001128845.2); c.4737G>C, p.Lys1579Asn (NM_001128846.2); c.4731G>C, p.Lys1577Asn (NM_001128847.4, NM_001374457.1); c.4728G>C, p.Lys1576Asn (NM_001128848.2); c.4926G>C, p.Lys1642Asn (NM_001128849.3, NM_001387283.1); c.4827G>C, p.Lys1609Asn (NM_001411150.1); short protein forms K1609N, K1610N, K1577N, K1579N, K1576N, K1580N, K1642N.
Identifiers: ClinVar variation 3446028 (VCV003446028.1).
Genomic context (GRCh38, chr19:11,060,106, plus strand): 5'-TCGGTCCGTCAAAGTGAAGATCAAGCTTGGCCGGAAGGAGAAGGCACAGGACCGGCTGAA[G>C]GGCGGCCGGCGGCGGCCGAGCCGAGGGTCCCGAGCCAAGCCGGTCGTGAGTGACGATGAC-3'
Protein context (NP_003063.2, residues 1600-1620): GRKEKAQDRL[Lys1610Asn]GGRRRPSRGS

ClinVar aggregate classification (germline): Uncertain significance (1 of 4 stars; one submission).

Conditions:
Hereditary cancer-predisposing syndrome. Also called: Tumor predisposition; Neoplastic Syndromes, Hereditary; Hereditary neoplastic syndrome; Hereditary Cancer Syndrome. Identifiers: Orphanet 140162, MedGen C0027672, MeSH D009386, MONDO:0015356.

Submission:

Ambry Genetics
Classification: Uncertain significance for Hereditary cancer-predisposing syndrome. Last evaluated: 2024-11-22. Review status: criteria provided, single submitter. Criteria: Ambry Variant Classification Scheme 2023. Collection method: clinical testing. Allele origin: germline.
Comment: The p.K1642N variant (also known as c.4926G>C), located in coding exon 34 of the SMARCA4 gene, results from a G to C substitution at nucleotide position 4926. The lysine at codon 1642 is replaced by asparagine, an amino acid with similar properties. This amino acid position is conserved. In addition, this alteration is predicted to be tolerated by in silico analysis. Based on the available evidence, the clinical significance of this variant remains unclear.